The following is an entry in ClinVar:

NM_006361.6(HOXB13):c.649C>G (p.Arg217Gly)

Gene: HOXB13 (homeobox B13; minus strand). Cytogenetic location: 17q21.32.
Variant type: single nucleotide variant.
Coding change: c.649C>G on transcript NM_006361.6 (MANE Select); coding-DNA position 649, C replaced by G.
Protein change: p.Arg217Gly; replaces arginine 217 with glycine.
Molecular consequence: missense variant.
Genome position (GRCh38, 1-based): chr17:48,726,996, G>C on the plus strand (C>G on the coding strand, the complement: HOXB13 is on the minus strand). VCF-style: chr17-48726996-G-C. GRCh37 (hg19) VCF-style: chr17-46804358-G-C.
Other names: short protein forms R217G.
Identifiers: ClinVar variation 483512 (VCV000483512.21), dbSNP rs139475791, ClinGen allele CA400106873.

ClinVar aggregate classification (germline): Uncertain significance. Review status: criteria provided, multiple submitters, no conflicts (2 of 4 stars). 4 submissions from 4 submitters: Uncertain significance (3). 1 of the submissions does not count toward it. Last evaluated 2025-11-22.

Conditions:
HOXB13-related disorder. Also called: HOXB13-related condition; HOXB13-related disorders.
Hereditary cancer-predisposing syndrome. Also called: Neoplastic Syndromes, Hereditary; Tumor predisposition; Hereditary Cancer Syndrome; Hereditary neoplastic syndrome. Identifiers: Orphanet 140162, MedGen C0027672, MeSH D009386, MONDO:0015356.

gnomAD v4.1: 14 of 1,611,676 alleles (0.00087%); highest among the groups gnomAD compares: Non-Finnish European, 0.0012%; no homozygotes.

Submissions (4):

Labcorp Genetics (formerly Invitae), Labcorp
Classification: Uncertain significance. Last evaluated: 2025-11-22. Review status: criteria provided, single submitter. Criteria: Invitae Variant Classification Sherloc (09022015). Collection method: clinical testing. Allele origin: germline.
Comment: This sequence change replaces arginine, which is basic and polar, with glycine, which is neutral and non-polar, at codon 217 of the HOXB13 protein (p.Arg217Gly). This variant is not present in population databases (gnomAD no frequency). This variant has not been reported in the literature in individuals affected with HOXB13-related conditions. ClinVar contains an entry for this variant (Variation ID: 483512). Invitae Evidence Modeling of protein sequence and biophysical properties (such as structural, functional, and spatial information, amino acid conservation, physicochemical variation, residue mobility, and thermodynamic stability) indicates that this missense variant is expected to disrupt HOXB13 protein function with a positive predictive value of 80%. In summary, the available evidence is currently insufficient to determine the role of this variant in disease. Therefore, it has been classified as a Variant of Uncertain Significance.

Ambry Genetics
Classification: Uncertain significance for Hereditary cancer-predisposing syndrome. Last evaluated: 2024-11-11. Review status: criteria provided, single submitter. Criteria: Ambry Variant Classification Scheme 2023. Collection method: clinical testing. Allele origin: germline.
Comment: The p.R217G variant (also known as c.649C>G), located in coding exon 2 of the HOXB13 gene, results from a C to G substitution at nucleotide position 649. The arginine at codon 217 is replaced by glycine, an amino acid with dissimilar properties. This amino acid position is highly conserved in available vertebrate species. In addition, this alteration is predicted to be deleterious by in silico analysis. Since supporting evidence is limited at this time, the clinical significance of this alteration remains unclear.

GeneDx
Classification: Uncertain significance. Last evaluated: 2023-12-05. Review status: criteria provided, single submitter. Criteria: GeneDx Variant Classification Process June 2021. Collection method: clinical testing. Allele origin: germline. Affected: yes.
Comment: Not observed at significant frequency in large population cohorts (gnomAD); In silico analysis supports that this missense variant has a deleterious effect on protein structure/function; Has not been previously published as pathogenic or benign to our knowledge; This variant is associated with the following publications: (PMID: 19389631, 8756292)

PreventionGenetics, part of Exact Sciences
Classification: Uncertain significance for HOXB13-related condition. Last evaluated: 2024-04-23. Review status: no assertion criteria provided. Collection method: clinical testing. Allele origin: germline. Not counted in ClinVar's aggregate classification.
Comment: The HOXB13 c.649C>G variant is predicted to result in the amino acid substitution p.Arg217Gly. To our knowledge, this variant has not been reported in the literature. This variant is reported in 0.00088% of alleles in individuals of European (Non-Finnish) descent in gnomAD, and it is reported in ClinVar as a variant of uncertain clinical significance. At this time, the clinical significance of this variant is uncertain due to the absence of conclusive functional and genetic evidence.